The following is an entry in ClinVar:

ClinVar aggregate classification (germline): Uncertain significance (1 of 4 stars; one submission).

Conditions:
Idiopathic generalized epilepsy. Also called: EIG; Generalised epilepsy. Identifiers: MedGen C0270850, MONDO:0005579, OMIM 600669.

Allele frequency attached by ClinVar (database versions not stated): gnomAD exomes below 0.00001; gnomAD 0.00001; TOPMed 0.00001.
gnomAD v4.1: 8 of 1,614,066 alleles (0.0005%); highest among the groups gnomAD compares: Admixed American, 0.0017%; no homozygotes.

Submission:

Labcorp Genetics (formerly Invitae), Labcorp
Classification: Uncertain significance for Idiopathic generalized epilepsy. Last evaluated: 2018-04-25. Review status: criteria provided, single submitter. Criteria: Invitae Variant Classification Sherloc (09022015). Collection method: clinical testing. Allele origin: germline.
Comment: In summary, the available evidence is currently insufficient to determine the role of this variant in disease. Therefore, it has been classified as a Variant of Uncertain Significance. Algorithms developed to predict the effect of missense changes on protein structure and function do not agree on the potential impact of this missense change (SIFT: "Tolerated"; PolyPhen-2: "Probably Damaging"; Align-GVGD: "Class C0"). This variant has not been reported in the literature in individuals with RBFOX1-related disease. This variant is not present in population databases (ExAC no frequency). This sequence change replaces glutamine with glutamic acid at codon 75 of the RBFOX1 protein (p.Gln75Glu). The glutamine residue is moderately conserved and there is a small physicochemical difference between glutamine and glutamic acid.

NM_018723.4(RBFOX1):c.163C>G (p.Gln55Glu)

Gene: RBFOX1 (RNA binding fox-1 homolog 1; plus strand). Cytogenetic location: 16p13.3.
Variant type: single nucleotide variant.
Coding change: c.163C>G on transcript NM_018723.4 (MANE Select); coding-DNA position 163, C replaced by G.
Protein change: p.Gln55Glu; replaces glutamine 55 with glutamic acid.
Molecular consequence: missense variant.
Genome position (GRCh38, 1-based): chr16:7,518,282, C>G. VCF-style: chr16-7518282-C-G. GRCh37 (hg19) VCF-style: chr16-7568284-C-G.
Other names: c.163C>G, p.Gln55Glu (NM_001142333.2, NM_001142334.2, NM_001364800.2); c.292C>G, p.Gln98Glu (NM_001308117.1); c.223C>G, p.Gln75Glu (NM_145891.3, NM_145892.3, NM_145893.3); short protein forms Q75E, Q55E, Q98E.
Identifiers: ClinVar variation 576061 (VCV000576061.9), dbSNP rs1567632409, ClinGen allele CA394796559.
Genomic context (GRCh38, chr16:7,518,282, plus strand): 5'-AACGGTATCCCCGCGGAATACACGGCCCCTCATCCCCACCCCGCGCCAGAGTACACAGGC[C>G]AGACCACGGTTCCCGAGCACACATTAAACCTGTACCCTCCCGCCCAGACGCACTCCGAGC-3'
Protein context (NP_061193.2, residues 45-65): HPHPAPEYTG[Gln55Glu]TTVPEHTLNL